The following is an entry in ClinVar:

NM_020693.4(DSCAML1):c.3772_3774del (p.Gly1258del)

Gene: DSCAML1 (DS cell adhesion molecule like 1; minus strand). Cytogenetic location: 11q23.3.
Variant type: Deletion.
Coding change: c.3772_3774del on transcript NM_020693.4 (MANE Select); coding-DNA positions 3772 to 3774, 3 bases deleted (GGT; older notation c.3772_3774delGGT).
Protein change: p.Gly1258del; deletes glycine 1258.
Molecular consequence: inframe deletion.
Genome position (GRCh38, 1-based): chr11:117,443,974-117,443,976, ACC deleted on the plus strand (GGT on the coding strand, the reverse complement: DSCAML1 is on the minus strand). VCF-style (leftmost placement, unchanged base first): chr11-117443973-GACC-G. GRCh37 (hg19) VCF-style: chr11-117314689-GACC-G.
Other names: short protein forms G1258del.
Identifiers: ClinVar variation 2969191 (VCV002969191.3), dbSNP rs2048123492, ClinGen allele CA2003033239.

ClinVar aggregate classification (germline): Uncertain significance (1 of 4 stars; one submission).

Allele frequency attached by ClinVar (database versions not stated): TOPMed below 0.00001.

Submission:

Labcorp Genetics (formerly Invitae), Labcorp
Classification: Uncertain significance. Last evaluated: 2023-10-05. Review status: criteria provided, single submitter. Criteria: Invitae Variant Classification Sherloc (09022015). Collection method: clinical testing. Allele origin: germline.
Comment: This variant, c.3952_3954del, results in the deletion of 1 amino acid(s) of the DSCAML1 protein (p.Gly1318del), but otherwise preserves the integrity of the reading frame. This variant is not present in population databases (gnomAD no frequency). This variant has not been reported in the literature in individuals affected with DSCAML1-related conditions. Experimental studies and prediction algorithms are not available or were not evaluated, and the functional significance of this variant is currently unknown. In summary, the available evidence is currently insufficient to determine the role of this variant in disease. Therefore, it has been classified as a Variant of Uncertain Significance.